The following is an entry in ClinVar:

NM_000138.5(FBN1):c.2112A>T (p.Ser704=)

Gene: FBN1 (fibrillin 1; minus strand). Cytogenetic location: 15q21.1.
Variant type: single nucleotide variant.
Coding change: c.2112A>T on transcript NM_000138.5 (MANE Select); coding-DNA position 2112, A replaced by T.
Protein change: p.Ser704=; no amino-acid change (serine 704 retained).
Molecular consequence: synonymous variant.
Genome position (GRCh38, 1-based): chr15:48,503,788, T>A on the plus strand (A>T on the coding strand, the complement: FBN1 is on the minus strand). VCF-style: chr15-48503788-T-A. GRCh37 (hg19) VCF-style: chr15-48795985-T-A.
Other names: c.2112A>T, p.Ser704= (NM_001406716.1).
Identifiers: ClinVar variation 2121786 (VCV002121786.4), dbSNP rs2505590621, ClinGen allele CA490024153.

ClinVar aggregate classification (germline): Uncertain significance (1 of 4 stars; one submission).

Conditions:
Familial thoracic aortic aneurysm and aortic dissection (TAAD). Also called: Thoracic aortic aneurysms and dissections. Identifiers: Orphanet 91387, MedGen C4707243, MONDO:0019625.
Marfan syndrome (MFS). Also called: MARFAN SYNDROME, TYPE I; Marfan syndrome type 1; Marfan's syndrome; Marfan syndrome, classic; FBN1-Related Marfan Syndrome. Identifiers: Orphanet 284963, Orphanet 558, MedGen C0024796, MONDO:0007947, OMIM 154700.

Submission:

Labcorp Genetics (formerly Invitae), Labcorp
Classification: Uncertain significance for Marfan syndrome; Familial thoracic aortic aneurysm and aortic dissection. Last evaluated: 2023-06-20. Review status: criteria provided, single submitter. Criteria: Invitae Variant Classification Sherloc (09022015). Collection method: clinical testing. Allele origin: germline.
Comment: In summary, the available evidence is currently insufficient to determine the role of this variant in disease. Therefore, it has been classified as a Variant of Uncertain Significance. Algorithms developed to predict the effect of sequence changes on RNA splicing suggest that this variant may disrupt the consensus splice site. ClinVar contains an entry for this variant (Variation ID: 2121786). This variant has not been reported in the literature in individuals affected with FBN1-related conditions. This variant is not present in population databases (gnomAD no frequency). This sequence change affects codon 704 of the FBN1 mRNA. It is a 'silent' change, meaning that it does not change the encoded amino acid sequence of the FBN1 protein. It affects a nucleotide within the consensus splice site.